The following is an entry in ClinVar:

NM_001042681.2(RERE):c.2721_2722delinsAT (p.Gln908Ter)

Gene: RERE (arginine-glutamic acid dipeptide repeats; minus strand). Cytogenetic location: 1p36.23.
Variant type: Indel.
Coding change: c.2721_2722delinsAT on transcript NM_001042681.2 (MANE Select); coding-DNA positions 2721 to 2722, GC replaced by AT.
Protein change: p.Gln908Ter; replaces glutamine 908 with a stop codon.
Molecular consequence: nonsense.
Genome position (GRCh38, 1-based): chr1:8,360,785-8,360,786, GC replaced by AT on the plus strand (GC replaced by AT on the coding strand, the reverse complement: RERE is on the minus strand). VCF-style: chr1-8360785-GC-AT. GRCh37 (hg19) VCF-style: chr1-8420845-GC-AT.
Other names: c.1059_1060delinsAT, p.Gln354Ter (NM_001042682.2); c.2721_2722delinsAT, p.Gln908Ter (NM_012102.4); short protein forms Q354*, Q908*.
Identifiers: ClinVar variation 1709710 (VCV001709710.2), dbSNP rs2522716211, ClinGen allele CA2580062568.

ClinVar aggregate classification (germline): Likely pathogenic (1 of 4 stars; one submission).

Conditions:
Neurodevelopmental disorder with or without anomalies of the brain, eye, or heart (NEDBEH). Identifiers: Orphanet 494344, MedGen C5567477, MONDO:0014857, OMIM 616975.

Submission:

MGZ Medical Genetics Center
Classification: Likely pathogenic for Neurodevelopmental disorder with or without anomalies of the brain, eye, or heart. Last evaluated: 2022-08-25. Review status: criteria provided, single submitter. Criteria: ACMG Guidelines, 2015. Collection method: clinical testing. Allele origin: germline. Affected: yes. Observed: 1 variant allele.
Comment: ACMG criteria applied: PVS1, PM2_SUP